The following is an entry in ClinVar:

NM_007294.4(BRCA1):c.5333-2A>C

Gene: BRCA1 (BRCA1 DNA repair associated; minus strand). Cytogenetic location: 17q21.31.
Variant type: single nucleotide variant.
Coding change: c.5333-2A>C on transcript NM_007294.4 (MANE Select); the canonical splice acceptor site of the intron before coding-DNA position 5333, A replaced by C.
Molecular consequence: splice acceptor variant. On other transcripts: intron variant (19).
Genome position (GRCh38, 1-based): chr17:43,049,196, T>G on the plus strand (A>C on the coding strand, the complement: BRCA1 is on the minus strand). VCF-style: chr17-43049196-T-G. GRCh37 (hg19) VCF-style: chr17-41201213-T-G.
Other names: c.5330-2A>C (NM_001407621.1, NM_001407613.1, NM_001407618.1 and 14 more transcripts); c.5333-2A>C (NM_001407593.1, NM_001407603.1, NM_001407597.1 and 5 more transcripts); c.1880-2A>C (NM_001408458.1, NM_001408461.1, NM_001408464.1 and 7 more transcripts); c.4442-2A>C (NM_001407967.1); c.4952-2A>C (NM_001407959.1); c.5066-2A>C (NM_001407931.1, NM_001407932.1, NM_001407928.1 and 4 more transcripts); c.5189-2A>C (NM_001407747.1, NM_001407745.1, NM_001407737.1 and 18 more transcripts); c.4949-2A>C (NM_001407962.1, NM_001407960.1); and 84 more.
Identifiers: ClinVar variation 55535 (VCV000055535.7), dbSNP rs397509264, ClinGen allele CA003497.

ClinVar aggregate classification (germline): Pathogenic (1 of 4 stars; one submission).

Conditions:
Breast-ovarian cancer, familial, susceptibility to, 1 (BROVCA1). Also called: BRCA1 Hereditary Breast and Ovarian Cancer; OVARIAN CANCER, SUSCEPTIBILITY TO. Identifiers: Orphanet 145, MedGen C2676676, MONDO:0011450, OMIM 604370. Disease mechanism: loss of function.

Allele frequency attached by ClinVar (database versions not stated): gnomAD exomes below 0.00001; ExAC 0.00001.

Submissions (2):

Consortium of Investigators of Modifiers of BRCA1/2 (CIMBA), c/o University of Cambridge
Classification: Pathogenic for Breast-ovarian cancer, familial, susceptibility to, 1. Last evaluated: 2015-10-02. Review status: criteria provided, single submitter. Criteria: CIMBA Mutation Classification guidelines May 2016. Collection method: clinical testing. Allele origin: germline.

Brotman Baty Institute, University of Washington
No classification provided (evidence only). Condition: Breast-ovarian cancer, familial 1. Review status: no classification provided. Collection method: in vitro. Allele origin: not applicable. Functional consequence: functionally_abnormal. Not counted in ClinVar's aggregate classification.
ClinVar note: "not provided" was previously submitted as the classification for the variant. However, the classification appeared to be based only on an observation of functional data so it was converted to no classification on 2025-07-30.